The following is an entry in ClinVar:

ClinVar aggregate classification (germline): Uncertain significance (1 of 4 stars; one submission).

Conditions:
Immunodeficiency 85 and autoimmunity. Identifiers: MedGen C5561976, MONDO:0030428, OMIM 619510.

gnomAD v4.1: 1 of 1,614,138 alleles (0.000062%); highest among the groups gnomAD compares: Non-Finnish European, 0.000085%; no homozygotes.

Submission:

Laboratorio de Genetica e Diagnostico Molecular, Hospital Israelita Albert Einstein
Classification: Uncertain significance for Immunodeficiency 85 and autoimmunity. Last evaluated: 2023-12-22. Review status: criteria provided, single submitter. Criteria: ACMG Guidelines, 2015. Collection method: clinical testing. Allele origin: germline. Affected: yes.
Comment: ACMG classification criteria: PM2 moderate

NM_005488.3(TOM1):c.242G>A (p.Cys81Tyr)

Genes: TOM1 (target of myb1 membrane trafficking protein; plus strand), LOC126863133 (CDK7 strongly-dependent group 2 enhancer GRCh37_chr22:35718923-35720122; plus strand). Cytogenetic location: 22q12.3.
Variant type: single nucleotide variant.
Coding change: c.242G>A on transcript NM_005488.3 (MANE Select); coding-DNA position 242, G replaced by A.
Protein change: p.Cys81Tyr; replaces cysteine 81 with tyrosine.
Molecular consequence: missense variant. On other transcripts: non-coding transcript variant (3).
Genome position (GRCh38, 1-based): chr22:35,323,053, G>A. VCF-style: chr22-35323053-G-A. GRCh37 (hg19) VCF-style: chr22-35719046-G-A.
Other names: c.143G>A, p.Cys48Tyr (NM_001135729.2); c.242G>A, p.Cys81Tyr (NM_001135730.2, NM_001135732.2); short protein forms C48Y, C81Y.
Identifiers: ClinVar variation 4076272 (VCV004076272.1).